The following is an entry in ClinVar:

NM_001572.5(IRF7):c.857C>G (p.Pro286Arg)

Gene: IRF7 (interferon regulatory factor 7; minus strand). Cytogenetic location: 11p15.5.
Variant type: single nucleotide variant.
Coding change: c.857C>G on transcript NM_001572.5 (MANE Select); coding-DNA position 857, C replaced by G.
Protein change: p.Pro286Arg; replaces proline 286 with arginine.
Molecular consequence: missense variant.
Genome position (GRCh38, 1-based): chr11:613,586, G>C on the plus strand (C>G on the coding strand, the complement: IRF7 is on the minus strand). VCF-style: chr11-613586-G-C. GRCh37 (hg19) VCF-style: chr11-613586-G-C.
Other names: c.770C>G, p.Pro257Arg (NM_004029.4); c.896C>G, p.Pro299Arg (NM_004031.4); short protein forms P286R, P299R, P257R.
Identifiers: ClinVar variation 2955070 (VCV002955070.3), dbSNP rs2493904196, ClinGen allele CA378979710.

ClinVar aggregate classification (germline): Uncertain significance (1 of 4 stars; one submission).

Conditions:
Immunodeficiency 39 (IMD39). Identifiers: Orphanet 574918, MedGen C4225358, MONDO:0014597, OMIM 616345.

Allele frequency attached by ClinVar (database versions not stated): gnomAD exomes below 0.00001.

Submission:

Labcorp Genetics (formerly Invitae), Labcorp
Classification: Uncertain significance for Immunodeficiency 39. Last evaluated: 2023-07-25. Review status: criteria provided, single submitter. Criteria: Invitae Variant Classification Sherloc (09022015). Collection method: clinical testing. Allele origin: germline.
Comment: In summary, the available evidence is currently insufficient to determine the role of this variant in disease. Therefore, it has been classified as a Variant of Uncertain Significance. Advanced modeling of protein sequence and biophysical properties (such as structural, functional, and spatial information, amino acid conservation, physicochemical variation, residue mobility, and thermodynamic stability) performed at Invitae indicates that this missense variant is not expected to disrupt IRF7 protein function. This variant has not been reported in the literature in individuals affected with IRF7-related conditions. This variant is not present in population databases (gnomAD no frequency). This sequence change replaces proline, which is neutral and non-polar, with arginine, which is basic and polar, at codon 299 of the IRF7 protein (p.Pro299Arg).